The following is an entry in ClinVar:

NM_182961.4(SYNE1):c.8785G>A (p.Asp2929Asn)

Genes: SYNE1 (spectrin repeat containing nuclear envelope protein 1; minus strand), SYNE1-AS1 (SYNE1 antisense RNA 1; plus strand). Cytogenetic location: 6q25.2.
Variant type: single nucleotide variant.
Coding change: c.8785G>A on transcript NM_182961.4 (MANE Select); coding-DNA position 8785, G replaced by A.
Protein change: p.Asp2929Asn; replaces aspartic acid 2929 with asparagine.
Molecular consequence: missense variant. On other transcripts: non-coding transcript variant (1).
Genome position (GRCh38, 1-based): chr6:152,381,230, C>T on the plus strand (G>A on the coding strand, the complement: SYNE1 is on the minus strand). VCF-style: chr6-152381230-C-T. GRCh37 (hg19) VCF-style: chr6-152702365-C-T.
Other names: c.8806G>A, p.Asp2936Asn (NM_033071.5); short protein forms D2929N, D2936N.
Identifiers: ClinVar variation 289370 (VCV000289370.11), dbSNP rs143313866, ClinGen allele CA4057456.
Genomic context (GRCh38, chr6:152,381,230, plus strand): 5'-TGACCAGGTTCTCCAAACAGCTCTGCGTTTGGAATACACTGTCTTCCCACTGCTTCCAGT[C>T]GGCACGCAGGGCCTGCATCTCCGTGTGCATGAGCTCACACCCACTGGCAGTTGTGTTCTG-3'
Protein context (NP_892006.3, residues 2919-2939): MHTEMQALRA[Asp2929Asn]WKQWEDSVFQ

ClinVar aggregate classification (germline): Uncertain significance. Review status: criteria provided, multiple submitters, no conflicts (2 of 4 stars). 2 submissions from 2 submitters: Uncertain significance (2). Last evaluated 2022-05-27.

Conditions:
Autosomal recessive ataxia, Beauce type. Also called: Spinocerebellar ataxia, autosomal recessive 8; ATAXIA, RECESSIVE, OF BEAUCE; SYNE1 Deficiency; SYNE1-Related Autosomal Recessive Cerebellar Ataxia. Identifiers: Orphanet 88644, MedGen C1853116, MONDO:0012549, OMIM 610743.
Emery-Dreifuss muscular dystrophy 4, autosomal dominant (EDMD4). Also called: EMERY-DREIFUSS MUSCULAR DYSTROPHY 4 WITH VARIABLE FEATURES. Identifiers: Orphanet 261, MedGen C2751807, MONDO:0013071, OMIM 612998.

Allele frequency attached by ClinVar (database versions not stated): gnomAD exomes below 0.00001 and 0.00001; ExAC 0.00002; TOPMed 0.00009; ESP Exome Variant Server 0.00015.
gnomAD v4.1: 15 of 1,614,194 alleles (0.00093%); highest among the groups gnomAD compares: African/African-American, 0.013%; no homozygotes.

Submissions (2):

Labcorp Genetics (formerly Invitae), Labcorp
Classification: Uncertain significance for Emery-Dreifuss muscular dystrophy 4, autosomal dominant; Autosomal recessive ataxia, Beauce type. Last evaluated: 2022-05-27. Review status: criteria provided, single submitter. Criteria: Invitae Variant Classification Sherloc (09022015). Collection method: clinical testing. Allele origin: germline.
Comment: In summary, the available evidence is currently insufficient to determine the role of this variant in disease. Therefore, it has been classified as a Variant of Uncertain Significance. Algorithms developed to predict the effect of missense changes on protein structure and function are either unavailable or do not agree on the potential impact of this missense change (SIFT: "Deleterious"; PolyPhen-2: "Possibly Damaging"; Align-GVGD: "Class C15"). ClinVar contains an entry for this variant (Variation ID: 289370). This variant has not been reported in the literature in individuals affected with SYNE1-related conditions. This variant is present in population databases (rs143313866, gnomAD 0.01%). This sequence change replaces aspartic acid, which is acidic and polar, with asparagine, which is neutral and polar, at codon 2936 of the SYNE1 protein (p.Asp2936Asn).

Eurofins Ntd Llc (ga)
Classification: Uncertain significance. Last evaluated: 2016-07-08. Review status: criteria provided, single submitter. Criteria: EGL Classification Definitions 2015. Collection method: clinical testing. Allele origin: germline. Observed: 1 variant allele, 1 heterozygote.